The following is an entry in ClinVar:

ClinVar aggregate classification (germline): Uncertain significance. Review status: criteria provided, multiple submitters, no conflicts (2 of 4 stars). 2 submissions from 2 submitters: Uncertain significance (2). Last evaluated 2025-08-22.

Conditions:
Desbuquois dysplasia 1 (DBQD1). Also called: MICROMELIC DWARFISM WITH VERTEBRAL AND METAPHYSEAL ABNORMALITIES AND ADVANCED CARPOTARSAL OSSIFICATION; DESBUQUOIS DYSPLASIA 1, KIM VARIANT. Identifiers: Orphanet 1425, MedGen C4012146, MONDO:0009629, OMIM 251450.
Inborn genetic diseases. Identifiers: MedGen C0950123, MeSH D030342.

Allele frequency attached by ClinVar (database versions not stated): gnomAD 0.00001; TOPMed 0.00001; ExAC 0.00003.
gnomAD v4.1: 10 of 1,512,638 alleles (0.00066%); highest among the groups gnomAD compares: Non-Finnish European, 0.0008%; no homozygotes.

Submissions (2):

Ambry Genetics
Classification: Uncertain significance for Inborn genetic diseases. Last evaluated: 2025-08-22. Review status: criteria provided, single submitter. Criteria: Ambry Variant Classification Scheme 2023. Collection method: clinical testing. Allele origin: germline.

Labcorp Genetics (formerly Invitae), Labcorp
Classification: Uncertain significance for Desbuquois dysplasia 1. Last evaluated: 2022-09-27. Review status: criteria provided, single submitter. Criteria: Invitae Variant Classification Sherloc (09022015). Collection method: clinical testing. Allele origin: germline.
Comment: This variant has not been reported in the literature in individuals affected with XYLT1-related conditions. In summary, the available evidence is currently insufficient to determine the role of this variant in disease. Therefore, it has been classified as a Variant of Uncertain Significance. Advanced modeling of protein sequence and biophysical properties (such as structural, functional, and spatial information, amino acid conservation, physicochemical variation, residue mobility, and thermodynamic stability) performed at Invitae indicates that this missense variant is not expected to disrupt XYLT1 protein function. This variant is present in population databases (rs780784292, gnomAD 0.003%). This sequence change replaces leucine, which is neutral and non-polar, with methionine, which is neutral and non-polar, at codon 856 of the XYLT1 protein (p.Leu856Met).

NM_022166.4(XYLT1):c.2566C>A (p.Leu856Met)

Gene: XYLT1 (xylosyltransferase 1; minus strand). Cytogenetic location: 16p12.3.
Variant type: single nucleotide variant.
Coding change: c.2566C>A on transcript NM_022166.4 (MANE Select); coding-DNA position 2566, C replaced by A.
Protein change: p.Leu856Met; replaces leucine 856 with methionine.
Molecular consequence: missense variant.
Genome position (GRCh38, 1-based): chr16:17,109,009, G>T on the plus strand (C>A on the coding strand, the complement: XYLT1 is on the minus strand). VCF-style: chr16-17109009-G-T. GRCh37 (hg19) VCF-style: chr16-17202866-G-T.
Other names: c.2566C>A (NM_022166.3); short protein forms L856M.
Identifiers: ClinVar variation 2414992 (VCV002414992.7), dbSNP rs780784292, ClinGen allele CA7927537.